The following is an entry in ClinVar:

ClinVar aggregate classification (germline): Uncertain significance (1 of 4 stars; one submission).

Conditions:
Hereditary cancer-predisposing syndrome. Also called: Neoplastic Syndromes, Hereditary; Tumor predisposition; Hereditary Cancer Syndrome; Hereditary neoplastic syndrome. Identifiers: Orphanet 140162, MedGen C0027672, MeSH D009386, MONDO:0015356.

Submission:

Ambry Genetics
Classification: Uncertain significance for Hereditary cancer-predisposing syndrome. Last evaluated: 2022-09-03. Review status: criteria provided, single submitter. Criteria: Ambry Variant Classification Scheme 2023. Collection method: clinical testing. Allele origin: germline.
Comment: The p.P546S variant (also known as c.1636C>T), located in coding exon 7 of the BARD1 gene, results from a C to T substitution at nucleotide position 1636. The proline at codon 546 is replaced by serine, an amino acid with similar properties. This amino acid position is conserved. In addition, the in silico prediction for this alteration is inconclusive. Since supporting evidence is limited at this time, the clinical significance of this alteration remains unclear.

NM_000465.4(BARD1):c.1636C>T (p.Pro546Ser)

Gene: BARD1 (BRCA1 associated RING domain 1; minus strand). Cytogenetic location: 2q35.
Variant type: single nucleotide variant.
Coding change: c.1636C>T on transcript NM_000465.4 (MANE Select); coding-DNA position 1636, C replaced by T.
Protein change: p.Pro546Ser; replaces proline 546 with serine.
Molecular consequence: missense variant. On other transcripts: non-coding transcript variant (3), intron variant (1).
Genome position (GRCh38, 1-based): chr2:214,752,488, G>A on the plus strand (C>T on the coding strand, the complement: BARD1 is on the minus strand). VCF-style: chr2-214752488-G-A. GRCh37 (hg19) VCF-style: chr2-215617212-G-A.
Other names: c.1579C>T, p.Pro527Ser (NM_001282543.2); c.283C>T, p.Pro95Ser (NM_001282545.2); c.226C>T, p.Pro76Ser (NM_001282548.2); c.365-21980C>T (NM_001282549.2); short protein forms P527S, P546S, P95S, P76S.
Identifiers: ClinVar variation 1776937 (VCV001776937.2), dbSNP rs1553616366, ClinGen allele CA350454738.